The following is an entry in ClinVar:

ClinVar aggregate classification (germline): Uncertain significance (1 of 4 stars; one submission).

Conditions:
Pitt-Hopkins-like syndrome 2 (PTHSL2). Identifiers: Orphanet 221150, Orphanet 600663, MedGen C3280479, MONDO:0013690, OMIM 614325.

Allele frequency attached by ClinVar (database versions not stated): gnomAD exomes below 0.00001 and 0.00001; ExAC 0.00004.

Submission:

Labcorp Genetics (formerly Invitae), Labcorp
Classification: Uncertain significance for Pitt-Hopkins-like syndrome 2. Last evaluated: 2025-09-27. Review status: criteria provided, single submitter. Criteria: Invitae Variant Classification Sherloc (09022015). Collection method: clinical testing. Allele origin: germline.
Comment: This sequence change replaces valine, which is neutral and non-polar, with methionine, which is neutral and non-polar, at codon 197 of the NRXN1 protein (p.Val197Met). The frequency data for this variant in the population databases is considered unreliable, as metrics indicate poor data quality at this position in the gnomAD database. This variant has not been reported in the literature in individuals affected with NRXN1-related conditions. ClinVar contains an entry for this variant (Variation ID: 1375016). An algorithm developed to predict the effect of missense changes on protein structure and function (PolyPhen-2) suggests that this variant is likely to be tolerated. In summary, the available evidence is currently insufficient to determine the role of this variant in disease. Therefore, it has been classified as a Variant of Uncertain Significance.

NM_001330078.2(NRXN1):c.589G>A (p.Val197Met)

Gene: NRXN1 (neurexin 1; minus strand). Cytogenetic location: 2p16.3.
Variant type: single nucleotide variant.
Coding change: c.589G>A on transcript NM_001330078.2 (MANE Select); coding-DNA position 589, G replaced by A.
Protein change: p.Val197Met; replaces valine 197 with methionine.
Molecular consequence: missense variant.
Genome position (GRCh38, 1-based): chr2:51,027,685, C>T on the plus strand (G>A on the coding strand, the complement: NRXN1 is on the minus strand). VCF-style: chr2-51027685-C-T. GRCh37 (hg19) VCF-style: chr2-51254823-C-T.
Other names: c.589G>A, p.Val197Met (NM_001135659.3, NM_001330077.2, NM_001330079.2 and 15 more transcripts); short protein forms V197M.
Identifiers: ClinVar variation 1375016 (VCV001375016.6), dbSNP rs369183287, ClinGen allele CA1655453.